The following is an entry in ClinVar:

ClinVar aggregate classification (germline): Likely benign (0 of 4 stars; one submission).

Conditions:
TNK2-related disorder. Also called: TNK2-related condition.

gnomAD v4.1: 64 of 1,529,582 alleles (0.0042%); highest among the groups gnomAD compares: African/African-American, 0.035%; no homozygotes.

Submission:

PreventionGenetics, part of Exact Sciences
Classification: Likely benign for TNK2-related condition. Last evaluated: 2019-06-26. Review status: no assertion criteria provided. Collection method: clinical testing. Allele origin: germline.
Comment: This variant is classified as likely benign based on ACMG/AMP sequence variant interpretation guidelines (Richards et al. 2015 PMID: 25741868, with internal and published modifications).

NM_001382273.1(TNK2):c.2385G>A (p.Pro795=)

Gene: TNK2 (tyrosine kinase non receptor 2; minus strand). Cytogenetic location: 3q29.
Variant type: single nucleotide variant.
Coding change: c.2385G>A on transcript NM_001382273.1 (MANE Select); coding-DNA position 2385, G replaced by A.
Protein change: p.Pro795=; no amino-acid change (proline 795 retained).
Molecular consequence: synonymous variant. On other transcripts: non-coding transcript variant (15).
Genome position (GRCh38, 1-based): chr3:195,867,913, C>T on the plus strand (G>A on the coding strand, the complement: TNK2 is on the minus strand). VCF-style: chr3-195867913-C-T. GRCh37 (hg19) VCF-style: chr3-195594784-C-T.
Other names: c.2457G>A, p.Pro819= (NM_001010938.2, NM_001382272.1); c.2436G>A, p.Pro812= (NM_001308046.2, NM_001382271.1); c.2385G>A, p.Pro795= (NM_001382274.1, NM_001387716.1, NM_001387717.1 and 1 more transcripts); c.2481G>A, p.Pro827= (NM_001382275.1, NM_001387707.1); c.2340G>A, p.Pro780= (NM_001386164.1, NM_001387709.1, NM_001387710.1 and 8 more transcripts); c.2412G>A, p.Pro804= (NM_001387708.1, NM_001387715.1).
Identifiers: ClinVar variation 3044392 (VCV003044392.2), dbSNP rs778397434, ClinGen allele CA2775944.